The following is an entry in ClinVar:

ClinVar aggregate classification (germline): Likely benign. Review status: criteria provided, multiple submitters, no conflicts (2 of 4 stars). 2 submissions from 2 submitters: Likely benign (2). Last evaluated 2024-05-17.

Conditions:
Short-rib thoracic dysplasia 6 with or without polydactyly (SRTD6). Also called: POLYDACTYLY WITH NEONATAL CHONDRODYSTROPHY, TYPE II; SHORT-RIB THORACIC DYSPLASIA 6 WITH POLYDACTYLY; SHORT RIB-POLYDACTYLY SYNDROME, TYPE IIA; Majewski Syndrome; SHORT-RIB THORACIC DYSPLASIA 6 WITHOUT POLYDACTYLY. Identifiers: MedGen C0024507, MONDO:0009894, OMIM 263520.

Allele frequency attached by ClinVar (database versions not stated): TOPMed below 0.00001; gnomAD exomes 0.00001.
gnomAD v4.1: 17 of 1,550,816 alleles (0.0011%); highest among the groups gnomAD compares: Non-Finnish European, 0.0014%; no homozygotes.

Submissions (2):

Labcorp Genetics (formerly Invitae), Labcorp
Classification: Likely benign for Short-rib thoracic dysplasia 6 with or without polydactyly. Last evaluated: 2024-05-17. Review status: criteria provided, single submitter. Criteria: Invitae Variant Classification Sherloc (09022015). Collection method: clinical testing. Allele origin: germline.

GeneDx
Classification: Likely benign. Last evaluated: 2017-09-19. Review status: criteria provided, single submitter. Criteria: GeneDx Variant Classification (06012015). Collection method: clinical testing. Allele origin: germline. Affected: yes.
Comment: This variant is considered likely benign or benign based on one or more of the following criteria: it is a conservative change, it occurs at a poorly conserved position in the protein, it is predicted to be benign by multiple in silico algorithms, and/or has population frequency not consistent with disease.

NM_001199397.3(NEK1):c.3768A>G (p.Gln1256=)

Gene: NEK1 (NIMA related kinase 1; minus strand). Cytogenetic location: 4q33.
Variant type: single nucleotide variant.
Coding change: c.3768A>G on transcript NM_001199397.3 (MANE Select); coding-DNA position 3768, A replaced by G.
Protein change: p.Gln1256=; no amino-acid change (glutamine 1256 retained).
Molecular consequence: synonymous variant. On other transcripts: non-coding transcript variant (1).
Genome position (GRCh38, 1-based): chr4:169,400,304, T>C on the plus strand (A>G on the coding strand, the complement: NEK1 is on the minus strand). VCF-style: chr4-169400304-T-C. GRCh37 (hg19) VCF-style: chr4-170321455-T-C.
Other names: c.3552A>G, p.Gln1184= (NM_001199400.3); c.3768A>G, p.Gln1256= (NM_001374418.1); c.3684A>G, p.Gln1228= (NM_001374419.1, NM_012224.4); c.3633A>G, p.Gln1211= (NM_001374420.1); c.3285A>G, p.Gln1095= (NM_001374421.1); c.3636A>G, p.Gln1212= (NM_001199398.3); c.3477A>G, p.Gln1159= (NM_001199399.3).
Identifiers: ClinVar variation 512238 (VCV000512238.3), dbSNP rs938396882, ClinGen allele CA110543286.
Genomic context (GRCh38, chr4:169,400,304, plus strand): 5'-TGCCATGACTAAATGAAGAATCTTGGCATAAAGATGCTGATGTTCATTTCCCAAAATATT[T>C]TGAACTATTTTTGAACAAATTTCAATATTTTCATCTTCATCTTCATGAATAGCCTATACC-3'
Protein context (NP_001186326.1, residues 1246-1266): ENIEICSKIV[Gln1256=]NILGNEHQHL